The following is an entry in ClinVar:

ClinVar aggregate classification (germline): Conflicting classifications of pathogenicity. Review status: criteria provided, conflicting classifications (1 of 4 stars). 3 submissions from 3 submitters: Uncertain significance (2); Likely benign (1). Last evaluated 2024-03-06.

Conditions:
Arrhythmogenic cardiomyopathy with wooly hair and keratoderma. Also called: Carvajal syndrome; Dilated cardiomyopathy with woolly hair and keratoderma; Arrhythmogenic cardiomyopathy with woolly hair and keratoderma; PALMOPLANTAR KERATODERMA WITH LEFT VENTRICULAR CARDIOMYOPATHY AND WOOLLY HAIR. Identifiers: Orphanet 65282, MedGen C1854063, MONDO:0011581, OMIM 605676.
Arrhythmogenic right ventricular dysplasia 8 (ARVD8). Also called: Arrhythmogenic Right Ventricular Dysplasia/Cardiomyopathy 8; ARRHYTHMOGENIC RIGHT VENTRICULAR DYSPLASIA, FAMILIAL, 8; ARRHYTHMOGENIC RIGHT VENTRICULAR CARDIOMYOPATHY 8. Identifiers: MedGen C1843896, MONDO:0011831, OMIM 607450.
Cardiovascular phenotype. Identifiers: MedGen CN230736.
Cardiomyopathy (CMYO). Also called: Cardiomyopathies. Identifiers: Orphanet 167848, MedGen C0878544, MONDO:0004994, HP:0001638. Inheritance: Various modes of inheritance.

Allele frequency attached by ClinVar (database versions not stated): gnomAD exomes below 0.00001 and 0.00001; ExAC 0.00001; gnomAD 0.00001.
gnomAD v4.1: 4 of 1,614,040 alleles (0.00025%); highest among the groups gnomAD compares: East Asian, 0.0089%; no homozygotes.

Submissions (3):

Color Diagnostics, LLC DBA Color Health
Classification: Uncertain significance for Cardiomyopathy. Last evaluated: 2024-03-06. Review status: criteria provided, single submitter. Criteria: ACMG Guidelines, 2015. Collection method: clinical testing. Allele origin: germline.
Comment: This missense variant replaces isoleucine with valine at codon 2116 of the DSP protein. Computational prediction suggests that this variant may not impact protein structure and function (internally defined REVEL score threshold <= 0.5, PMID: 27666373). To our knowledge, functional studies have not been reported for this variant. This variant has not been reported in individuals affected with cardiovascular disorders in the literature. This variant has been identified in 5/282760 chromosomes in the general population by the Genome Aggregation Database (gnomAD). The available evidence is insufficient to determine the role of this variant in disease conclusively. Therefore, this variant is classified as a Variant of Uncertain Significance.

Labcorp Genetics (formerly Invitae), Labcorp
Classification: Likely benign for Arrhythmogenic cardiomyopathy with wooly hair and keratoderma; Arrhythmogenic right ventricular dysplasia 8. Last evaluated: 2023-07-03. Review status: criteria provided, single submitter. Criteria: Invitae Variant Classification Sherloc (09022015). Collection method: clinical testing. Allele origin: germline.

Ambry Genetics
Classification: Uncertain significance for Cardiovascular phenotype. Last evaluated: 2022-12-25. Review status: criteria provided, single submitter. Criteria: Ambry Variant Classification Scheme 2023. Collection method: clinical testing. Allele origin: germline.
Comment: The p.I2116V variant (also known as c.6346A>G), located in coding exon 24 of the DSP gene, results from an A to G substitution at nucleotide position 6346. The isoleucine at codon 2116 is replaced by valine, an amino acid with highly similar properties. This amino acid position is conserved. In addition, this alteration is predicted to be tolerated by in silico analysis. Since supporting evidence is limited at this time, the clinical significance of this alteration remains unclear.

NM_004415.4(DSP):c.6346A>G (p.Ile2116Val)

Gene: DSP (desmoplakin; plus strand). Cytogenetic location: 6p24.3.
Variant type: single nucleotide variant.
Coding change: c.6346A>G on transcript NM_004415.4 (MANE Select); coding-DNA position 6346, A replaced by G.
Protein change: p.Ile2116Val; replaces isoleucine 2116 with valine.
Molecular consequence: missense variant.
Genome position (GRCh38, 1-based): chr6:7,583,608, A>G. VCF-style: chr6-7583608-A-G. GRCh37 (hg19) VCF-style: chr6-7583841-A-G.
Other names: c.4549A>G, p.Ile1517Val (NM_001008844.3); c.5017A>G, p.Ile1673Val (NM_001319034.2); short protein forms I1517V, I1673V, I2116V.
Identifiers: ClinVar variation 1332334 (VCV001332334.10), dbSNP rs777184414, ClinGen allele CA047383.
Genomic context (GRCh38, chr6:7,583,608, plus strand): 5'-TTTGATGATCCATTTTCAGGCAAGACAGTATCTGTTTCAGAAGCCATCAAGAAAAATTTG[A>G]TTGATAGAGAAACCGGAATGCGCCTGCTGGAAGCCCAGATTGCTTCAGGGGGTGTAGTAG-3'
Protein context (NP_004406.2, residues 2106-2126): SVSEAIKKNL[Ile2116Val]DRETGMRLLE